The following is an entry in ClinVar:

ClinVar aggregate classification (germline): Uncertain significance. Review status: criteria provided, multiple submitters, no conflicts (2 of 4 stars). 2 submissions from 2 submitters: Uncertain significance (2). Last evaluated 2026-01-26.

Allele frequency attached by ClinVar (database versions not stated): ExAC 0.00012; 1000 Genomes Project 30x 0.00016; 1000 Genomes Project 0.00020; gnomAD 0.00034; ESP Exome Variant Server 0.00038.
gnomAD v4.1: 107 of 1,613,020 alleles (0.0066%); highest among the groups gnomAD compares: African/African-American, 0.12%; no homozygotes.

Submissions (2):

Labcorp Genetics (formerly Invitae), Labcorp
Classification: Uncertain significance. Last evaluated: 2026-01-26. Review status: criteria provided, single submitter. Criteria: Invitae Variant Classification Sherloc (09022015). Collection method: clinical testing. Allele origin: germline.
Comment: This sequence change replaces proline, which is neutral and non-polar, with leucine, which is neutral and non-polar, at codon 792 of the ARHGEF1 protein (p.Pro792Leu). This variant is present in population databases (rs146058052, gnomAD 0.1%), and has an allele count higher than expected for a pathogenic variant. This variant has not been reported in the literature in individuals affected with ARHGEF1-related conditions. ClinVar contains an entry for this variant (Variation ID: 1504234). An algorithm developed to predict the effect of missense changes on protein structure and function (PolyPhen-2) suggests that this variant is likely to be disruptive. In summary, the available evidence is currently insufficient to determine the role of this variant in disease. Therefore, it has been classified as a Variant of Uncertain Significance.

Ambry Genetics
Classification: Uncertain significance. Last evaluated: 2025-09-22. Review status: criteria provided, single submitter. Criteria: Ambry Variant Classification Scheme 2023. Collection method: clinical testing. Allele origin: germline.

NM_004706.4(ARHGEF1):c.2330C>T (p.Pro777Leu)

Gene: ARHGEF1 (Rho guanine nucleotide exchange factor 1; plus strand). Cytogenetic location: 19q13.2.
Variant type: single nucleotide variant.
Coding change: c.2330C>T on transcript NM_004706.4 (MANE Select); coding-DNA position 2330, C replaced by T.
Protein change: p.Pro777Leu; replaces proline 777 with leucine.
Molecular consequence: missense variant.
Genome position (GRCh38, 1-based): chr19:41,905,255, C>T. VCF-style: chr19-41905255-C-T. GRCh37 (hg19) VCF-style: chr19-42409407-C-T.
Other names: c.2231C>T, p.Pro744Leu (NM_198977.2); c.2375C>T, p.Pro792Leu (NM_199002.2); c.2375C>T (NM_199002.1); short protein forms P777L, P744L, P792L.
Identifiers: ClinVar variation 1504234 (VCV001504234.8), dbSNP rs146058052, ClinGen allele CA9466666.